The following is an entry in ClinVar:

NM_004239.4(TRIP11):c.4817A>G (p.Glu1606Gly)

Gene: TRIP11 (thyroid hormone receptor interactor 11; minus strand). Cytogenetic location: 14q32.12.
Variant type: single nucleotide variant.
Coding change: c.4817A>G on transcript NM_004239.4 (MANE Select); coding-DNA position 4817, A replaced by G.
Protein change: p.Glu1606Gly; replaces glutamic acid 1606 with glycine.
Molecular consequence: missense variant.
Genome position (GRCh38, 1-based): chr14:91,999,315, T>C on the plus strand (A>G on the coding strand, the complement: TRIP11 is on the minus strand). VCF-style: chr14-91999315-T-C. GRCh37 (hg19) VCF-style: chr14-92465659-T-C.
Other names: c.4814A>G, p.Glu1605Gly (NM_001321851.1); short protein forms E1605G, E1606G.
Identifiers: ClinVar variation 2782021 (VCV002782021.3), dbSNP rs2056790780, ClinGen allele CA390646602.

ClinVar aggregate classification (germline): Uncertain significance (1 of 4 stars; one submission).

Conditions:
Achondrogenesis, type IA (ACG1A). Identifiers: Orphanet 932, Orphanet 93299, MedGen C0265273, MONDO:0008701, OMIM 200600.

Allele frequency attached by ClinVar (database versions not stated): TOPMed below 0.00001.

Submission:

Labcorp Genetics (formerly Invitae), Labcorp
Classification: Uncertain significance for Achondrogenesis, type IA. Last evaluated: 2023-05-09. Review status: criteria provided, single submitter. Criteria: Invitae Variant Classification Sherloc (09022015). Collection method: clinical testing. Allele origin: germline.
Comment: In summary, the available evidence is currently insufficient to determine the role of this variant in disease. Therefore, it has been classified as a Variant of Uncertain Significance. Advanced modeling of protein sequence and biophysical properties (such as structural, functional, and spatial information, amino acid conservation, physicochemical variation, residue mobility, and thermodynamic stability) performed at Invitae indicates that this missense variant is not expected to disrupt TRIP11 protein function. This variant has not been reported in the literature in individuals affected with TRIP11-related conditions. This variant is not present in population databases (gnomAD no frequency). This sequence change replaces glutamic acid, which is acidic and polar, with glycine, which is neutral and non-polar, at codon 1606 of the TRIP11 protein (p.Glu1606Gly).